The following is an entry in ClinVar:

NM_001276270.2(MBD4):c.916_920del (p.Glu306fs)

Gene: MBD4 (methyl-CpG binding domain 4, DNA glycosylase; minus strand). Cytogenetic location: 3q21.3.
Variant type: Deletion.
Coding change: c.916_920del on transcript NM_001276270.2 (MANE Select); coding-DNA positions 916 to 920, 5 bases deleted (GAAAA; older notation c.916_920delGAAAA).
Protein change: p.Glu306fs; shifts the reading frame from glutamic acid 306.
Molecular consequence: frameshift variant. On other transcripts: intron variant (1).
Genome position (GRCh38, 1-based): chr3:129,436,724-129,436,728, TTTTC deleted on the plus strand (GAAAA on the coding strand, the reverse complement: MBD4 is on the minus strand); deleting any 5 consecutive bases within chr3:129,436,724-129,436,730 gives the same sequence; the c. name uses the placement nearest the transcript's 3' end. VCF-style (leftmost placement, unchanged base first): chr3-129436723-GTTTTC-G. GRCh37 (hg19) VCF-style: chr3-129155566-GTTTTC-G.
Other names: c.247+1080_247+1084del (NM_001276273.2); c.916_920del, p.Glu306fs (NM_001276271.2, NM_001276272.2, NM_003925.3); c.916_920delGAAAA (NM_001276270.2); short protein forms E306fs.
Identifiers: ClinVar variation 4104648 (VCV004104648.1).

ClinVar aggregate classification (germline): Pathogenic (1 of 4 stars; one submission).

Conditions:
Inborn genetic diseases. Identifiers: MedGen C0950123, MeSH D030342.

Submission:

Ambry Genetics
Classification: Pathogenic for Inborn genetic diseases. Last evaluated: 2025-08-15. Review status: criteria provided, single submitter. Criteria: Ambry Variant Classification Scheme 2023. Collection method: clinical testing. Allele origin: germline.
Comment: The c.916_920delGAAAA pathogenic mutation, located in coding exon 3 of the MBD4 gene, results from a deletion of 5 nucleotides at nucleotide positions 916 to 920, causing a translational frameshift with a predicted alternate stop codon (p.E306Qfs*19). This variant is considered to be rare based on population cohorts in the Genome Aggregation Database (gnomAD). This alteration is expected to result in loss of function by premature protein truncation or nonsense-mediated mRNA decay. As such, this alteration is interpreted as a disease-causing mutation.